The following is an entry in ClinVar:

ClinVar aggregate classification (germline): Uncertain significance (1 of 4 stars; one submission).

Conditions:
Polycystic kidney disease, adult type (PKD1). Also called: POLYCYSTIC KIDNEY DISEASE, ADULT, TYPE I; Polycystic Kidney Disease 1, Autosomal Dominant; Polycystic kidney disease 1; Polycystic kidney disease 1, severe; Polycystic Kidney, Autosomal Dominant; POLYCYSTIC KIDNEY DISEASE 1 WITH OR WITHOUT POLYCYSTIC LIVER DISEASE. Identifiers: MedGen C3149841, MONDO:0008263, OMIM 173900.

Submission:

Juno Genomics, Hangzhou Juno Genomics, Inc
Classification: Uncertain significance for Polycystic kidney disease, adult type. Review status: criteria provided, single submitter. Criteria: ACMG Guidelines, 2015. Collection method: clinical testing. Allele origin: germline. Affected: yes.
Comment: Absent from controls (or at extremely low frequency if recessive) in Genome Aggregation Database, Exome Sequencing Project, 1000 Genomes Project, or Exome Aggregation Consortium.;Multiple lines of computational evidence support a deleterious effect on the gene or gene product (conservation, evolutionary, splicing impact, etc).;Patient's phenotype or family history is highly specific for a disease with a single genetic etiology.

NM_001009944.3(PKD1):c.6083A>C (p.Tyr2028Ser)

Gene: PKD1 (polycystin 1, transient receptor potential channel interacting; minus strand). Cytogenetic location: 16p13.3.
Variant type: single nucleotide variant.
Coding change: c.6083A>C on transcript NM_001009944.3 (MANE Select); coding-DNA position 6083, A replaced by C.
Protein change: p.Tyr2028Ser; replaces tyrosine 2028 with serine.
Molecular consequence: missense variant.
Genome position (GRCh38, 1-based): chr16:2,109,084, T>G on the plus strand (A>C on the coding strand, the complement: PKD1 is on the minus strand). VCF-style: chr16-2109084-T-G. GRCh37 (hg19) VCF-style: chr16-2159085-T-G.
Other names: c.6083A>C, p.Tyr2028Ser (NM_000296.4); short protein forms Y2028S.
Identifiers: ClinVar variation 3383044 (VCV003383044.2).